The following is an entry in ClinVar:

NM_001025616.3(ARHGAP24):c.2174T>C (p.Phe725Ser)

Gene: ARHGAP24 (Rho GTPase activating protein 24; plus strand). Cytogenetic location: 4q21.3.
Variant type: single nucleotide variant.
Coding change: c.2174T>C on transcript NM_001025616.3 (MANE Select); coding-DNA position 2174, T replaced by C.
Protein change: p.Phe725Ser; replaces phenylalanine 725 with serine.
Molecular consequence: missense variant.
Genome position (GRCh38, 1-based): chr4:86,000,649, T>C. VCF-style: chr4-86000649-T-C. GRCh37 (hg19) VCF-style: chr4-86921802-T-C.
Other names: c.1889T>C, p.Phe630Ser (NM_001042669.2); c.1919T>C, p.Phe640Ser (NM_001287805.2); c.1595T>C, p.Phe532Ser (NM_001346093.2); c.1895T>C, p.Phe632Ser (NM_031305.3); short protein forms F532S, F640S, F725S, F630S, F632S.
Identifiers: ClinVar variation 3672228 (VCV003672228.2).

ClinVar aggregate classification (germline): Uncertain significance (1 of 4 stars; one submission).

gnomAD v4.1: 2 of 1,613,914 alleles (0.00012%); highest among the groups gnomAD compares: Admixed American, 0.0017%; no homozygotes.

Submission:

Labcorp Genetics (formerly Invitae), Labcorp
Classification: Uncertain significance. Last evaluated: 2024-10-17. Review status: criteria provided, single submitter. Criteria: Invitae Variant Classification Sherloc (09022015). Collection method: clinical testing. Allele origin: germline.
Comment: This sequence change replaces phenylalanine, which is neutral and non-polar, with serine, which is neutral and polar, at codon 725 of the ARHGAP24 protein (p.Phe725Ser). This variant is present in population databases (no rsID available, gnomAD 0.003%). This variant has not been reported in the literature in individuals affected with ARHGAP24-related conditions. An algorithm developed to predict the effect of missense changes on protein structure and function (PolyPhen-2) suggests that this variant is likely to be disruptive. In summary, the available evidence is currently insufficient to determine the role of this variant in disease. Therefore, it has been classified as a Variant of Uncertain Significance.